The following is an entry in ClinVar:

ClinVar aggregate classification (germline): Likely benign. Review status: criteria provided, multiple submitters, no conflicts (2 of 4 stars). 2 submissions from 2 submitters: Likely benign (2). Last evaluated 2026-06-01.

Allele frequency attached by ClinVar (database versions not stated): gnomAD exomes 0.00001 and 0.00005; ExAC 0.00003; gnomAD 0.00011 and 0.00009; TOPMed 0.00017; 1000 Genomes Project 0.00060; 1000 Genomes Project 30x 0.00062.
gnomAD v4.1: 45 of 1,612,856 alleles (0.0028%); highest among the groups gnomAD compares: Admixed American, 0.043%; no homozygotes.

Submissions (2):

CeGaT Center for Human Genetics Tuebingen
Classification: Likely benign. Last evaluated: 2026-06-01. Review status: criteria provided, single submitter. Criteria: CeGaT Center For Human Genetics Tuebingen Variant Classification Criteria Version 2. Collection method: clinical testing. Allele origin: germline. Affected: yes. Observed: 1 variant allele.
Comment: GFER: BP4, BP7

Labcorp Genetics (formerly Invitae), Labcorp
Classification: Likely benign. Last evaluated: 2025-11-03. Review status: criteria provided, single submitter. Criteria: Invitae Variant Classification Sherloc (09022015). Collection method: clinical testing. Allele origin: germline.

NM_005262.3(GFER):c.600G>A (p.Lys200=)

Gene: GFER (growth factor, augmenter of liver regeneration; plus strand). Cytogenetic location: 16p13.3.
Variant type: single nucleotide variant.
Coding change: c.600G>A on transcript NM_005262.3 (MANE Select); coding-DNA position 600, G replaced by A.
Protein change: p.Lys200=; no amino-acid change (lysine 200 retained).
Molecular consequence: synonymous variant.
Genome position (GRCh38, 1-based): chr16:1,986,010, G>A. VCF-style: chr16-1986010-G-A. GRCh37 (hg19) VCF-style: chr16-2036011-G-A.
Identifiers: ClinVar variation 1595955 (VCV001595955.10), dbSNP rs200271594, ClinGen allele CA7826104.
Genomic context (GRCh38, chr16:1,986,010, plus strand): 5'-GCTGGGCAAGCCTGACTTCGACTGCTCAAAAGTGGATGAGCGCTGGCGCGACGGCTGGAA[G>A]GATGGCTCCTGTGACTAGAGGGTGGTCAGCCAGAGCTCATGGGACAGCTAGCCAGGCATG-3'
Protein context (NP_005253.3, residues 190-205): KVDERWRDGW[Lys200=]DGSCD